The following is an entry in ClinVar:

ClinVar aggregate classification (germline): Conflicting classifications of pathogenicity. Review status: criteria provided, conflicting classifications (1 of 4 stars). 3 submissions from 3 submitters: Uncertain significance (2); Benign (1). Last evaluated 2025-12-30.

Conditions:
Autism spectrum disorder due to AUTS2 deficiency (MRD26). Also called: INTELLECTUAL DEVELOPMENTAL DISORDER, AUTOSOMAL DOMINANT 26. Identifiers: Orphanet 352490, MedGen C4014435, MONDO:0014361, OMIM 615834.

Allele frequency attached by ClinVar (database versions not stated): 1000 Genomes Project 30x 0.00016; ExAC 0.00003; 1000 Genomes Project 0.00020.
gnomAD v4.1: 22 of 1,611,160 alleles (0.0014%); highest among the groups gnomAD compares: South Asian, 0.02%; no homozygotes.

Submissions (3):

Dasa
Classification: Uncertain significance. Last evaluated: 2025-12-30. Review status: criteria provided, single submitter. Criteria: DASA Assertion Criteria. Collection method: clinical testing. Allele origin: germline.
Comment: NM_015570.4(AUTS2):c.3299C>A (p.Pro1100Gln) is a missense variant that results in the substitution of proline with glutamine. This variant is rare in population databases. The currently available literature and clinical evidence are not sufficient to establish a definitive association between this variant and the reported condition. Therefore, this variant is classified as a variant of uncertain significance.

Labcorp Genetics (formerly Invitae), Labcorp
Classification: Benign. Last evaluated: 2023-08-04. Review status: criteria provided, single submitter. Criteria: Invitae Variant Classification Sherloc (09022015). Collection method: clinical testing. Allele origin: germline.

Revvity Omics, Revvity
Classification: Uncertain significance for Autism spectrum disorder due to AUTS2 deficiency. Last evaluated: 2023-03-23. Review status: criteria provided, single submitter. Criteria: ACMG Guidelines, 2015. Collection method: clinical testing. Allele origin: germline.

NM_015570.4(AUTS2):c.3299C>A (p.Pro1100Gln)

Gene: AUTS2 (activator of transcription and developmental regulator AUTS2; plus strand). Cytogenetic location: 7q11.22.
Variant type: single nucleotide variant.
Coding change: c.3299C>A on transcript NM_015570.4 (MANE Select); coding-DNA position 3299, C replaced by A.
Protein change: p.Pro1100Gln; replaces proline 1100 with glutamine.
Molecular consequence: missense variant.
Genome position (GRCh38, 1-based): chr7:70,790,515, C>A. VCF-style: chr7-70790515-C-A. GRCh37 (hg19) VCF-style: chr7-70255501-C-A.
Other names: c.3227C>A, p.Pro1076Gln (NM_001127231.3); short protein forms P1100Q, P1076Q.
Identifiers: ClinVar variation 1936300 (VCV001936300.9), dbSNP rs555021087, ClinGen allele CA4281298.